The following is an entry in ClinVar:

NM_001365480.1(CCDC88A):c.4229T>A (p.Ile1410Asn)

Gene: CCDC88A (coiled-coil and HOOK domain protein 88A; minus strand). Cytogenetic location: 2p16.1.
Variant type: single nucleotide variant.
Coding change: c.4229T>A on transcript NM_001365480.1 (MANE Select); coding-DNA position 4229, T replaced by A.
Protein change: p.Ile1410Asn; replaces isoleucine 1410 with asparagine.
Molecular consequence: missense variant.
Genome position (GRCh38, 1-based): chr2:55,308,967, A>T on the plus strand (T>A on the coding strand, the complement: CCDC88A is on the minus strand). VCF-style: chr2-55308967-A-T. GRCh37 (hg19) VCF-style: chr2-55536103-A-T.
Other names: c.4226T>A, p.Ile1409Asn (NM_001135597.2, NM_001254943.2); c.4229T>A, p.Ile1410Asn (NM_018084.5); short protein forms I1410N, I1409N.
Identifiers: ClinVar variation 2097733 (VCV002097733.4), dbSNP rs2544752588, ClinGen allele CA346884675.
Genomic context (GRCh38, chr2:55,308,967, plus strand): 5'-CCTTCACTGGAGTCTGAGCGGGTGGGTGTTAATGTTAGAGATTTCTGGCGTTCCCGATTA[A>T]TATCTTTCTTAGACTTTATCAATTTTCTCATTTTTAGAGTAATCCAGTTGCCTCTCCTAA-3'
Protein context (NP_001352409.1, residues 1400-1420): MRKLIKSKKD[Ile1410Asn]NRERQKSLTL

ClinVar aggregate classification (germline): Uncertain significance (1 of 4 stars; one submission).

Submission:

Labcorp Genetics (formerly Invitae), Labcorp
Classification: Uncertain significance. Last evaluated: 2022-02-15. Review status: criteria provided, single submitter. Criteria: Invitae Variant Classification Sherloc (09022015). Collection method: clinical testing. Allele origin: germline.
Comment: This sequence change replaces isoleucine, which is neutral and non-polar, with asparagine, which is neutral and polar, at codon 1409 of the CCDC88A protein (p.Ile1409Asn). This variant is not present in population databases (gnomAD no frequency). In summary, the available evidence is currently insufficient to determine the role of this variant in disease. Therefore, it has been classified as a Variant of Uncertain Significance. Algorithms developed to predict the effect of missense changes on protein structure and function are either unavailable or do not agree on the potential impact of this missense change (SIFT: "Deleterious"; PolyPhen-2: "Benign"; Align-GVGD: "Class C0"). This variant has not been reported in the literature in individuals affected with CCDC88A-related conditions.